The following is an entry in ClinVar:

NM_020937.4(FANCM):c.4500A>C (p.Arg1500Ser)

Gene: FANCM (FA complementation group M; plus strand). Cytogenetic location: 14q21.2.
Variant type: single nucleotide variant.
Coding change: c.4500A>C on transcript NM_020937.4 (MANE Select); coding-DNA position 4500, A replaced by C.
Protein change: p.Arg1500Ser; replaces arginine 1500 with serine.
Molecular consequence: missense variant.
Genome position (GRCh38, 1-based): chr14:45,183,887, A>C. VCF-style: chr14-45183887-A-C. GRCh37 (hg19) VCF-style: chr14-45653090-A-C.
Other names: c.4422A>C, p.Arg1474Ser (NM_001308133.2); short protein forms R1500S, R1474S.
Identifiers: ClinVar variation 5021502 (VCV005021502.1).

ClinVar aggregate classification (germline): Uncertain significance (1 of 4 stars; one submission).

Conditions:
Inborn genetic diseases. Identifiers: MedGen C0950123, MeSH D030342.

Submission:

Ambry Genetics
Classification: Uncertain significance for Inborn genetic diseases. Last evaluated: 2026-08-16. Review status: criteria provided, single submitter. Criteria: Ambry Variant Classification Scheme 2023. Collection method: clinical testing. Allele origin: germline.
Comment: The p.R1500S variant (also known as c.4500A>C), located in coding exon 17 of the FANCM gene, results from an A to C substitution at nucleotide position 4500. The arginine at codon 1500 is replaced by serine, an amino acid with dissimilar properties. This amino acid position is conserved. In addition, this alteration is predicted to be tolerated by in silico analysis. Based on the available evidence, the clinical significance of this variant remains unclear.